The following is an entry in ClinVar:

NM_000051.4(ATM):c.635_636insG (p.Phe212fs)

Gene: ATM (ATM serine/threonine kinase; plus strand). Cytogenetic location: 11q22.3.
Variant type: Insertion.
Coding change: c.635_636insG on transcript NM_000051.4 (MANE Select); coding-DNA positions 635 to 636, G inserted.
Protein change: p.Phe212fs; shifts the reading frame from phenylalanine 212.
Molecular consequence: frameshift variant.
Genome position: GRCh38 VCF-style: chr11-108244091-T-TG. GRCh37 (hg19) VCF-style: chr11-108114818-T-TG.
Other names: c.635_636insG, p.Phe212fs (NM_001351834.2); short protein forms F212fs.
Identifiers: ClinVar variation 1753006 (VCV001753006.2), dbSNP rs2497134000, ClinGen allele CA2580083210.

ClinVar aggregate classification (germline): Pathogenic (1 of 4 stars; one submission).

Conditions:
Hereditary cancer-predisposing syndrome. Also called: Neoplastic Syndromes, Hereditary; Tumor predisposition; Hereditary Cancer Syndrome; Hereditary neoplastic syndrome. Identifiers: Orphanet 140162, MedGen C0027672, MeSH D009386, MONDO:0015356.

Submission:

Ambry Genetics
Classification: Pathogenic for Hereditary cancer-predisposing syndrome. Last evaluated: 2019-05-15. Review status: criteria provided, single submitter. Criteria: Ambry Variant Classification Scheme 2023. Collection method: clinical testing. Allele origin: germline.
Comment: The c.635_636insG pathogenic mutation, located in coding exon 5 of the ATM gene, results from an insertion of one nucleotide at position 635, causing a translational frameshift with a predicted alternate stop codon (p.F212Lfs*42). This alteration is expected to result in loss of function by premature protein truncation or nonsense-mediated mRNA decay. As such, this alteration is interpreted as a disease-causing mutation.